The following is an entry in ClinVar:

ClinVar aggregate classification (germline): Pathogenic/Likely pathogenic. Review status: criteria provided, multiple submitters, no conflicts (2 of 4 stars). 2 submissions from 2 submitters: Pathogenic (1); Likely pathogenic (1). Last evaluated 2023-03-18.

Conditions:
Hepatoencephalopathy due to combined oxidative phosphorylation defect type 1. Also called: HEPATOENCEPHALOPATHY, EARLY FATAL PROGRESSIVE. Identifiers: Orphanet 137681, MedGen C1836797, MONDO:0012191, OMIM 609060.

Allele frequency attached by ClinVar (database versions not stated): gnomAD exomes below 0.00001.
gnomAD v4.1: 3 of 1,614,162 alleles (0.00019%); highest among the groups gnomAD compares: Non-Finnish European, 0.00025%; no homozygotes.

Submissions (2):

Labcorp Genetics (formerly Invitae), Labcorp
Classification: Pathogenic. Last evaluated: 2023-03-18. Review status: criteria provided, single submitter. Criteria: Invitae Variant Classification Sherloc (09022015). Collection method: clinical testing. Allele origin: germline.
Comment: For these reasons, this variant has been classified as Pathogenic. This variant has not been reported in the literature in individuals affected with GFM1-related conditions. This variant is not present in population databases (gnomAD no frequency). This sequence change creates a premature translational stop signal (p.Leu242*) in the GFM1 gene. It is expected to result in an absent or disrupted protein product. Loss-of-function variants in GFM1 are known to be pathogenic (PMID: 16632485, 17160893).

Baylor Genetics
Classification: Likely pathogenic for Hepatoencephalopathy due to combined oxidative phosphorylation defect type 1. Last evaluated: 2023-01-29. Review status: criteria provided, single submitter. Criteria: ACMG Guidelines, 2015. Collection method: clinical testing. Allele origin: unknown.

Literature cited by the submitters: PubMed 16632485 (cited by Labcorp Genetics (formerly Invitae), Labcorp); PubMed 17160893 (cited by Labcorp Genetics (formerly Invitae), Labcorp).

NM_024996.7(GFM1):c.725T>G (p.Leu242Ter)

Gene: GFM1 (G elongation factor mitochondrial 1; plus strand). Cytogenetic location: 3q25.32.
Variant type: single nucleotide variant.
Coding change: c.725T>G on transcript NM_024996.7 (MANE Select); coding-DNA position 725, T replaced by G.
Protein change: p.Leu242Ter; replaces leucine 242 with a stop codon.
Molecular consequence: nonsense. On other transcripts: non-coding transcript variant (4).
Genome position (GRCh38, 1-based): chr3:158,652,131, T>G. VCF-style: chr3-158652131-T-G. GRCh37 (hg19) VCF-style: chr3-158369920-T-G.
Other names: c.782T>G, p.Leu261Ter (NM_001308164.2, NM_001374355.1); c.725T>G, p.Leu242Ter (NM_001308166.2); c.608T>G, p.Leu203Ter (NM_001374356.1); c.500T>G, p.Leu167Ter (NM_001374357.1); c.266T>G, p.Leu89Ter (NM_001374358.1); c.158T>G, p.Leu53Ter (NM_001374359.1, NM_001374360.1); c.41T>G, p.Leu14Ter (NM_001374361.1); short protein forms L14*, L167*, L203*, L242*, L261*, L53*, L89*.
Identifiers: ClinVar variation 2675911 (VCV002675911.4), dbSNP rs2473960497, ClinGen allele CA355176671.